The following is an entry in ClinVar:

NM_170606.3(KMT2C):c.5006C>G (p.Pro1669Arg)

Gene: KMT2C (lysine methyltransferase 2C; minus strand). Cytogenetic location: 7q36.1.
Variant type: single nucleotide variant.
Coding change: c.5006C>G on transcript NM_170606.3 (MANE Select); coding-DNA position 5006, C replaced by G.
Protein change: p.Pro1669Arg; replaces proline 1669 with arginine.
Molecular consequence: missense variant.
Genome position (GRCh38, 1-based): chr7:152,187,264, G>C on the plus strand (C>G on the coding strand, the complement: KMT2C is on the minus strand). VCF-style: chr7-152187264-G-C. GRCh37 (hg19) VCF-style: chr7-151884349-G-C.
Other names: short protein forms P1669R.
Identifiers: ClinVar variation 1542095 (VCV001542095.16), dbSNP rs200711600, ClinGen allele CA4580373.

ClinVar aggregate classification (germline): Likely benign. Review status: criteria provided, multiple submitters, no conflicts (2 of 4 stars). 2 submissions from 2 submitters: Likely benign (2). Last evaluated 2025-06-01.

Allele frequency attached by ClinVar (database versions not stated): ExAC 0.00008; ESP Exome Variant Server 0.00008; gnomAD 0.00008 and 0.00009; TOPMed 0.00011; gnomAD exomes 0.00012.
gnomAD v4.1: 247 of 1,611,596 alleles (0.015%); highest among the groups gnomAD compares: Non-Finnish European, 0.015%; no homozygotes.

Submissions (2):

CeGaT Center for Human Genetics Tuebingen
Classification: Likely benign. Last evaluated: 2025-06-01. Review status: criteria provided, single submitter. Criteria: CeGaT Center For Human Genetics Tuebingen Variant Classification Criteria Version 2. Collection method: clinical testing. Allele origin: germline. Affected: yes. Observed: 1 variant allele.
Comment: KMT2C: PP3, BS2

Labcorp Genetics (formerly Invitae), Labcorp
Classification: Likely benign. Last evaluated: 2022-08-23. Review status: criteria provided, single submitter. Criteria: Invitae Variant Classification Sherloc (09022015). Collection method: clinical testing. Allele origin: germline.